The following is an entry in ClinVar:

NM_000388.4(CASR):c.721G>T (p.Glu241Ter)

Gene: CASR (calcium sensing receptor; plus strand). Cytogenetic location: 3q21.1.
Variant type: single nucleotide variant.
Coding change: c.721G>T on transcript NM_000388.4 (MANE Select); coding-DNA position 721, G replaced by T.
Protein change: p.Glu241Ter; replaces glutamic acid 241 with a stop codon.
Molecular consequence: nonsense.
Genome position (GRCh38, 1-based): chr3:122,261,756, G>T. VCF-style: chr3-122261756-G-T. GRCh37 (hg19) VCF-style: chr3-121980603-G-T.
Other names: c.721G>T, p.Glu241Ter (NM_001178065.2); short protein forms E241*.
Identifiers: ClinVar variation 4784298 (VCV004784298.1).

ClinVar aggregate classification (germline): Pathogenic (1 of 4 stars; one submission).

Conditions:
Autosomal dominant hypocalcemia 1 (HYPOC1). Also called: HYPOCALCEMIA, FAMILIAL. Identifiers: MedGen C3715128, MONDO:0011013, OMIM 601198.
Familial hypocalciuric hypercalcemia (FHH). Also called: Familial benign hypercalcemia. Identifiers: Orphanet 405, MedGen C1809471, MONDO:0018458.

Submission:

Labcorp Genetics (formerly Invitae), Labcorp
Classification: Pathogenic for Familial hypocalciuric hypercalcemia; Autosomal dominant hypocalcemia 1. Last evaluated: 2025-02-27. Review status: criteria provided, single submitter. Criteria: Invitae Variant Classification Sherloc (09022015). Collection method: clinical testing. Allele origin: germline.
Comment: This sequence change creates a premature translational stop signal (p.Glu241*) in the CASR gene. It is expected to result in an absent or disrupted protein product. Loss-of-function variants in CASR are known to be pathogenic (PMID: 11807402, 14985373, 22422767). This variant is not present in population databases (gnomAD no frequency). This variant has not been reported in the literature in individuals affected with CASR-related conditions. For these reasons, this variant has been classified as Pathogenic.

Literature cited by the submitters: PubMed 11807402; PubMed 14985373; PubMed 22422767.